The following is an entry in ClinVar:

NM_005228.5(EGFR):c.961G>T (p.Asp321Tyr)

Gene: EGFR (epidermal growth factor receptor; plus strand). Cytogenetic location: 7p11.2.
Variant type: single nucleotide variant.
Coding change: c.961G>T on transcript NM_005228.5 (MANE Select); coding-DNA position 961, G replaced by T.
Protein change: p.Asp321Tyr; replaces aspartic acid 321 with tyrosine.
Molecular consequence: missense variant.
Genome position (GRCh38, 1-based): chr7:55,155,901, G>T. VCF-style: chr7-55155901-G-T. GRCh37 (hg19) VCF-style: chr7-55223594-G-T.
Other names: c.826G>T, p.Asp276Tyr (NM_001346897.2, NM_001346899.2); c.961G>T, p.Asp321Tyr (NM_001346898.2, NM_201282.2, NM_201283.2 and 1 more transcripts); c.802G>T, p.Asp268Tyr (NM_001346900.2); c.160G>T, p.Asp54Tyr (NM_001346941.2); short protein forms D268Y, D276Y, D321Y, D54Y.
Identifiers: ClinVar variation 4638309 (VCV004638309.1).
Genomic context (GRCh38, chr7:55,155,901, plus strand): 5'-GTGACAGATCACGGCTCGTGCGTCCGAGCCTGTGGGGCCGACAGCTATGAGATGGAGGAA[G>T]ACGGCGTCCGCAAGTGTAAGAAGTGCGAAGGGCCTTGCCGCAAAGGTAGGAAGCCCGCCG-3'
Protein context (NP_005219.2, residues 311-331): CGADSYEMEE[Asp321Tyr]GVRKCKKCEG

ClinVar aggregate classification (germline): Uncertain significance (1 of 4 stars; one submission).

Conditions:
Hereditary cancer-predisposing syndrome. Also called: Neoplastic Syndromes, Hereditary; Tumor predisposition; Hereditary Cancer Syndrome; Hereditary neoplastic syndrome. Identifiers: Orphanet 140162, MedGen C0027672, MeSH D009386, MONDO:0015356.

Submission:

Ambry Genetics
Classification: Uncertain significance for Hereditary cancer-predisposing syndrome. Last evaluated: 2025-09-16. Review status: criteria provided, single submitter. Criteria: Ambry Variant Classification Scheme 2023. Collection method: clinical testing. Allele origin: germline.
Comment: The p.D321Y variant (also known as c.961G>T), located in coding exon 8 of the EGFR gene, results from a G to T substitution at nucleotide position 961. The aspartic acid at codon 321 is replaced by tyrosine, an amino acid with highly dissimilar properties. This amino acid position is not well conserved in available vertebrate species. In addition, the in silico prediction for this alteration is inconclusive. Based on the available evidence, the clinical significance of this variant remains unclear.